The following is an entry in ClinVar:

ClinVar aggregate classification (germline): Likely benign (1 of 4 stars; one submission).

gnomAD v4.1: 147 of 1,208,950 alleles (0.012%); highest among the groups gnomAD compares: Non-Finnish European, 0.014%; 1 homozygote.

Submission:

CeGaT Center for Human Genetics Tuebingen
Classification: Likely benign. Last evaluated: 2024-10-01. Review status: criteria provided, single submitter. Criteria: CeGaT Center For Human Genetics Tuebingen Variant Classification Criteria Version 2. Collection method: clinical testing. Allele origin: germline. Affected: yes. Observed: 1 variant allele.
Comment: TIMP1: BS2

NM_003254.3(TIMP1):c.178C>T (p.Arg60Cys)

Genes: SYN1 (synapsin I; minus strand), TIMP1 (TIMP metallopeptidase inhibitor 1; plus strand). Cytogenetic location: Xp11.3.
Variant type: single nucleotide variant.
Coding change: c.178C>T on transcript NM_003254.3 (MANE Select); coding-DNA position 178, C replaced by T.
Protein change: p.Arg60Cys; replaces arginine 60 with cysteine.
Molecular consequence: missense variant. On other transcripts: intron variant (2).
Genome position (GRCh38, 1-based): chrX:47,584,992, C>T. VCF-style: chrX-47584992-C-T. GRCh37 (hg19) VCF-style: chrX-47444391-C-T.
Other names: c.775-7491G>A (NM_133499.2, NM_006950.3); short protein forms R60C.
Identifiers: ClinVar variation 3389193 (VCV003389193.14).